The following is an entry in ClinVar:

NM_006218.4(PIK3CA):c.274C>A (p.Leu92Ile)

Gene: PIK3CA (phosphatidylinositol-4,5-bisphosphate 3-kinase catalytic subunit alpha; plus strand). Cytogenetic location: 3q26.32.
Variant type: single nucleotide variant.
Coding change: c.274C>A on transcript NM_006218.4 (MANE Select); coding-DNA position 274, C replaced by A.
Protein change: p.Leu92Ile; replaces leucine 92 with isoleucine.
Molecular consequence: missense variant.
Genome position (GRCh38, 1-based): chr3:179,199,099, C>A. VCF-style: chr3-179199099-C-A. GRCh37 (hg19) VCF-style: chr3-178916887-C-A.
Other names: short protein forms L92I.
Identifiers: ClinVar variation 834298 (VCV000834298.10), dbSNP rs1724342021, ClinGen allele CA355272454.

ClinVar aggregate classification (germline): Uncertain significance (1 of 4 stars; one submission).

Conditions:
Cowden syndrome (CS). Also called: Cowden's disease; Cowden's syndrome; Cowden disease. Identifiers: Orphanet 201, MedGen C0018553, MONDO:0016063. Disease mechanism: gain of function.

Submission:

Labcorp Genetics (formerly Invitae), Labcorp
Classification: Uncertain significance for Cowden syndrome. Last evaluated: 2019-02-05. Review status: criteria provided, single submitter. Criteria: Invitae Variant Classification Sherloc (09022015). Collection method: clinical testing. Allele origin: germline.
Comment: In summary, the available evidence is currently insufficient to determine the role of this variant in disease. Therefore, it has been classified as a Variant of Uncertain Significance. Algorithms developed to predict the effect of missense changes on protein structure and function are either unavailable or do not agree on the potential impact of this missense change (SIFT: "Deleterious"; PolyPhen-2: "Probably Damaging"; Align-GVGD: "Class C0"). This variant has not been reported in the literature in individuals with PIK3CA-related conditions. This variant is not present in population databases (ExAC no frequency). This sequence change replaces leucine with isoleucine at codon 92 of the PIK3CA protein (p.Leu92Ile). The leucine residue is highly conserved and there is a small physicochemical difference between leucine and isoleucine.